The following is an entry in ClinVar:

ClinVar aggregate classification (germline): Benign/Likely benign. Review status: criteria provided, multiple submitters, no conflicts (2 of 4 stars). 5 submissions from 5 submitters: Benign (1); Likely benign (4). Last evaluated 2025-08-18.

Conditions:
Hereditary cancer-predisposing syndrome. Also called: Hereditary Cancer Syndrome; Neoplastic Syndromes, Hereditary; Tumor predisposition; Hereditary neoplastic syndrome. Identifiers: Orphanet 140162, MedGen C0027672, MeSH D009386, MONDO:0015356.
Familial cancer of breast. Also called: Hereditary breast cancer; hereditary breast carcinoma; BREAST CANCER, FAMILIAL. Identifiers: Orphanet 227535, MedGen C0346153, MONDO:0016419, OMIM 114480. Disease mechanism: loss of function.
Ataxia-telangiectasia syndrome (AT). Also called: Ataxia telangiectasia (A-T); Ataxia-telangiectasia, complementation group E; LOUIS-BAR SYNDROME; Cerebello-oculocutaneous telangiectasia; Immunodeficiency with ataxia telangiectasia; Ataxia-telangiectasia, complementation group D. Identifiers: Orphanet 100, MedGen C0004135, MONDO:0008840, OMIM 208900.

Submissions (5):

Labcorp Genetics (formerly Invitae), Labcorp
Classification: Likely benign for Ataxia-telangiectasia syndrome. Last evaluated: 2025-08-18. Review status: criteria provided, single submitter. Criteria: Invitae Variant Classification Sherloc (09022015). Collection method: clinical testing. Allele origin: germline.

Myriad Genetics, Inc.
Classification: Benign for Familial cancer of breast. Last evaluated: 2024-05-09. Review status: criteria provided, single submitter. Criteria: Myriad Autosomal Dominant, Autosomal Recessive and X-Linked Classification Criteria (2023). Collection method: clinical testing. Allele origin: unknown.
Comment: This variant is considered benign. This variant is a silent/synonymous amino acid change and it is not expected to impact splicing.

Color Diagnostics, LLC DBA Color Health
Classification: Likely benign for Hereditary cancer-predisposing syndrome. Last evaluated: 2019-12-20. Review status: criteria provided, single submitter. Criteria: ACMG Guidelines, 2015. Collection method: clinical testing. Allele origin: germline.

GeneDx
Classification: Likely benign. Last evaluated: 2017-06-23. Review status: criteria provided, single submitter. Criteria: GeneDx Variant Classification (06012015). Collection method: clinical testing. Allele origin: germline. Affected: yes.
Comment: This variant is considered likely benign or benign based on one or more of the following criteria: it is a conservative change, it occurs at a poorly conserved position in the protein, it is predicted to be benign by multiple in silico algorithms, and/or has population frequency not consistent with disease.

Ambry Genetics
Classification: Likely benign for Hereditary cancer-predisposing syndrome. Last evaluated: 2015-07-29. Review status: criteria provided, single submitter. Criteria: Ambry Variant Classification Scheme 2023. Collection method: clinical testing. Allele origin: germline.

NM_000051.4(ATM):c.2529T>C (p.Asn843=)

Gene: ATM (ATM serine/threonine kinase; plus strand). Cytogenetic location: 11q22.3.
Variant type: single nucleotide variant.
Coding change: c.2529T>C on transcript NM_000051.4 (MANE Select); coding-DNA position 2529, T replaced by C.
Protein change: p.Asn843=; no amino-acid change (asparagine 843 retained).
Molecular consequence: synonymous variant.
Genome position (GRCh38, 1-based): chr11:108,267,233, T>C. VCF-style: chr11-108267233-T-C. GRCh37 (hg19) VCF-style: chr11-108137960-T-C.
Other names: c.2529T>C, p.Asn843= (NM_001351834.2).
Identifiers: ClinVar variation 233093 (VCV000233093.18), dbSNP rs876660189, ClinGen allele CA10579058.